The following is an entry in ClinVar:

NM_002335.4(LRP5):c.1582G>A (p.Glu528Lys)

Gene: LRP5 (LDL receptor related protein 5; plus strand). Cytogenetic location: 11q13.2.
Variant type: single nucleotide variant.
Coding change: c.1582G>A on transcript NM_002335.4 (MANE Select); coding-DNA position 1582, G replaced by A.
Protein change: p.Glu528Lys; replaces glutamic acid 528 with lysine.
Molecular consequence: missense variant. On other transcripts: intron variant (1).
Genome position (GRCh38, 1-based): chr11:68,390,050, G>A. VCF-style: chr11-68390050-G-A. GRCh37 (hg19) VCF-style: chr11-68157518-G-A.
Other names: c.-354+3338G>A (NM_001291902.2); short protein forms E528K.
Identifiers: ClinVar variation 450537 (VCV000450537.2), dbSNP rs749683290, ClinGen allele CA6149364.

ClinVar aggregate classification (germline): Conflicting classifications of pathogenicity. Review status: criteria provided, conflicting classifications (1 of 4 stars). 2 submissions from 2 submitters: Likely pathogenic (1); Uncertain significance (1). Last evaluated 2025-07-14.

Allele frequency attached by ClinVar (database versions not stated): gnomAD exomes below 0.00001 and 0.00001; TOPMed below 0.00001; ExAC 0.00001.
gnomAD v4.1: 5 of 1,614,260 alleles (0.00031%); highest among the groups gnomAD compares: South Asian, 0.0022%; no homozygotes.

Submissions (2):

Labcorp Genetics (formerly Invitae), Labcorp
Classification: Uncertain significance. Last evaluated: 2025-07-14. Review status: criteria provided, single submitter. Criteria: Invitae Variant Classification Sherloc (09022015). Collection method: clinical testing. Allele origin: germline.
Comment: This sequence change replaces glutamic acid, which is acidic and polar, with lysine, which is basic and polar, at codon 528 of the LRP5 protein (p.Glu528Lys). This variant is present in population databases (rs749683290, gnomAD 0.0009%). This missense change has been observed in individuals with clinical features of autosomal dominant familial exudative vitreoretinopathy (PMID: 29181528, 38720524). It has also been observed to segregate with disease in related individuals. ClinVar contains an entry for this variant (Variation ID: 450537). An algorithm developed to predict the effect of missense changes on protein structure and function (PolyPhen-2) suggests that this variant is likely to be disruptive. In summary, the available evidence is currently insufficient to determine the role of this variant in disease. Therefore, it has been classified as a Variant of Uncertain Significance.

GeneDx
Classification: Likely pathogenic. Last evaluated: 2017-07-20. Review status: criteria provided, single submitter. Criteria: GeneDx Variant Classification (06012015). Collection method: clinical testing. Allele origin: germline. Affected: yes.
Comment: The E528K variant in the LRP5 gene has not been reported previously as a pathogenic variant, nor as a benign variant, to our knowledge. The E528K variant is not observed at a significant frequency in large population cohorts (Lek et al., 2016; 1000 Genomes Consortium et al., 2015; Exome Variant Server). The E528K variant is a non-conservative amino acid substitution, which is likely to impact secondary protein structure as these residues differ in polarity, charge, size and/or other properties. This substitution occurs at a position that is conserved across species, and in silico analysis predicts this variant is probably damaging to the protein structure/function. We interpret E528K as a likely pathogenic variant.

Literature cited by the submitters: PubMed 29181528 (cited by Labcorp Genetics (formerly Invitae), Labcorp); PubMed 38720524 (cited by Labcorp Genetics (formerly Invitae), Labcorp).